The following is an entry in ClinVar:

NM_000051.4(ATM):c.3256C>T (p.Arg1086Cys)

Gene: ATM (ATM serine/threonine kinase; plus strand). Cytogenetic location: 11q22.3.
Variant type: single nucleotide variant.
Coding change: c.3256C>T on transcript NM_000051.4 (MANE Select); coding-DNA position 3256, C replaced by T.
Protein change: p.Arg1086Cys; replaces arginine 1086 with cysteine.
Molecular consequence: missense variant.
Genome position (GRCh38, 1-based): chr11:108,272,824, C>T. VCF-style: chr11-108272824-C-T. GRCh37 (hg19) VCF-style: chr11-108143551-C-T.
Other names: c.3256C>T, p.Arg1086Cys (NM_001351834.2); short protein forms R1086C.
Identifiers: ClinVar variation 234020 (VCV000234020.46), dbSNP rs201780199, ClinGen allele CA6265233.
Genomic context (GRCh38, chr11:108,272,824, plus strand): 5'-AAAGACTTTCCTGTAAATGAAGTATTTACACAATTTCTTGCTGACAATCATCACCAAGTT[C>T]GCATGTTGGCTGCAGAGTCAATCAATAGGTAATGGGTCAAATATTCATGAAGTATTTGGA-3'
Protein context (NP_000042.3, residues 1076-1096): QFLADNHHQV[Arg1086Cys]MLAAESINRL

ClinVar aggregate classification (germline): Conflicting classifications of pathogenicity. Review status: criteria provided, conflicting classifications (1 of 4 stars). 14 submissions from 14 submitters: Uncertain significance (10); Likely benign (3). 1 of the submissions does not count toward it. Last evaluated 2026-08-06.

Conditions:
Hereditary cancer. Identifiers: MedGen C1333600.
Hereditary cancer-predisposing syndrome. Also called: Hereditary neoplastic syndrome; Hereditary Cancer Syndrome; Neoplastic Syndromes, Hereditary; Tumor predisposition. Identifiers: Orphanet 140162, MedGen C0027672, MeSH D009386, MONDO:0015356.
Breast-ovarian cancer, familial, susceptibility to, 1 (BROVCA1). Also called: OVARIAN CANCER, SUSCEPTIBILITY TO; BRCA1 Hereditary Breast and Ovarian Cancer. Identifiers: Orphanet 145, MedGen C2676676, MONDO:0011450, OMIM 604370. Disease mechanism: loss of function.
Familial cancer of breast. Also called: Hereditary breast cancer; BREAST CANCER, FAMILIAL; hereditary breast carcinoma. Identifiers: Orphanet 227535, MedGen C0346153, MONDO:0016419, OMIM 114480. Disease mechanism: loss of function.
Ataxia-telangiectasia syndrome (AT). Also called: Ataxia-telangiectasia, complementation group D; Ataxia telangiectasia (A-T); LOUIS-BAR SYNDROME; AT, COMPLEMENTATION GROUP C; ATAXIA-TELANGIECTASIA, COMPLEMENTATION GROUP A; ATAXIA-TELANGIECTASIA, FRESNO VARIANT. Identifiers: Orphanet 100, MedGen C0004135, MONDO:0008840, OMIM 208900.

Allele frequency attached by ClinVar (database versions not stated): gnomAD 0.00001 and 0.00002; ExAC 0.00002; gnomAD exomes 0.00003; TOPMed 0.00004; 1000 Genomes Project 30x 0.00016; 1000 Genomes Project 0.00020.
gnomAD v4.1: 14 of 1,613,974 alleles (0.00087%); highest among the groups gnomAD compares: African/African-American, 0.004%; no homozygotes.

Submissions (14):

OLLIN Analises Genomicas, OLLIN
Classification: Uncertain significance for Familial cancer of breast. Last evaluated: 2026-08-06. Review status: criteria provided, single submitter. Criteria: ACMG Guidelines 2015 PMID 25741868. Collection method: clinical testing. Allele origin: germline. Inheritance: Autosomal recessive inheritance.
Comment: This missense variant, located in exon 22 (of 63), has been reported in ClinVar (accession VCV002824935.4), in gnomAD with an allele frequency of 0.00087%, and in the scientific literature, segregating with the phenotype, in individuals with ATM related disorders (PMID: 30303537). In silico analysis is inconclusive regarding the impact of this variant. According to the currently available evidence, this variant has been classified as uncertain significance (PM2_P, PP1).

CeGaT Center for Human Genetics Tuebingen
Classification: Uncertain significance. Last evaluated: 2026-08-01. Review status: criteria provided, single submitter. Criteria: CeGaT Center For Human Genetics Tuebingen Variant Classification Criteria Version 2. Collection method: clinical testing. Allele origin: germline. Affected: yes. Observed: 1 variant allele.
Comment: ATM: PM2, BP4

Myriad Genetics, Inc.
Classification: Likely benign for Familial cancer of breast. Last evaluated: 2026-03-18. Review status: criteria provided, single submitter. Criteria: Myriad Autosomal Dominant, Autosomal Recessive and X-Linked Classification Criteria (2023). Collection method: clinical testing. Allele origin: unknown.
Comment: This variant is considered likely benign. This variant is strongly associated with less severe personal and family histories of cancer, typical for individuals without pathogenic variants in this gene [PMID: 25085752].

Labcorp Genetics (formerly Invitae), Labcorp
Classification: Likely benign for Ataxia-telangiectasia syndrome. Last evaluated: 2026-02-01. Review status: criteria provided, single submitter. Criteria: Invitae Variant Classification Sherloc (09022015). Collection method: clinical testing. Allele origin: germline.

Color Diagnostics, LLC DBA Color Health
Classification: Uncertain significance for Hereditary cancer-predisposing syndrome. Last evaluated: 2025-08-11. Review status: criteria provided, single submitter. Criteria: ACMG Guidelines, 2015. Collection method: clinical testing. Allele origin: germline.
Comment: This missense variant replaces arginine with cysteine at codon 1086 of the ATM protein. Computational prediction suggests that this variant may not impact protein structure and function. To our knowledge, functional studies have not been reported for this variant. In a large international case-control study, this variant was reported in 1/60466 breast cancer cases and 3/53461 controls (OR=0.295, 95%CI 0.031 to 2.833, p-value=0.347PMID: 33471991). This variant has been identified in 9/282596 chromosomes in the general population by the Genome Aggregation Database (gnomAD). The available evidence is insufficient to determine the role of this variant in disease conclusively. Therefore, this variant is classified as a Variant of Uncertain Significance.

Institute of Immunology and Genetics Kaiserslautern
Classification: Uncertain significance for Breast-ovarian cancer, familial, susceptibility to, 1. Last evaluated: 2025-07-30. Review status: criteria provided, single submitter. Criteria: ACMG Guidelines, 2015. Collection method: clinical testing. Allele origin: germline. Affected: yes.
Comment: ACMG Criteria: PM2_P; Variant was found in heterozygous state.

Ambry Genetics
Classification: Uncertain significance for Hereditary cancer-predisposing syndrome. Last evaluated: 2025-05-25. Review status: criteria provided, single submitter. Criteria: Ambry Variant Classification Scheme 2023. Collection method: clinical testing. Allele origin: germline.
Comment: The p.R1086C variant (also known as c.3256C>T), located in coding exon 21 of the ATM gene, results from a C to T substitution at nucleotide position 3256. The arginine at codon 1086 is replaced by cysteine, an amino acid with highly dissimilar properties. This alteration was identified in 1/1207 cases of French women diagnosed with breast cancer who had a sister with breast cancer and were BRCA1 and BRCA2 negative and 0/1199 general population controls (Girard E et al. Int J Cancer, 2019 04;144:1962-1974). This alteration was also reported in 1/5560 prostate cancer cases and in 0/3353 controls of European ancestry (Karlsson Q et al. Eur Urol Oncol, 2021 Aug;4:570-579). This alteration was detected in a cohort of 1663 Brazilian breast cancer patients who underwent hereditary multigene panel testing (Guindalini RSC et al. Sci Rep, 2022 Mar;12:4190) and in 1 of 1009 patients amongst a cohort of Chinese patients with a personal history of pancreatic ductal adenocarcinoma (Yin L et al. JAMA Netw Open, 2022 Feb;5:e2148721). This amino acid position is not well conserved in available vertebrate species, and cysteine is the reference amino acid in other vertebrate species. In addition, this alteration is predicted to be tolerated by in silico analysis. Since supporting evidence is limited at this time, the clinical significance of this alteration remains unclear.

Mendelics
Classification: Likely benign for Hereditary cancer. Last evaluated: 2024-01-23. Review status: criteria provided, single submitter. Criteria: ACMG Guidelines, 2015. Collection method: clinical testing. Allele origin: unknown.

Baylor Genetics
Classification: Uncertain significance for Familial cancer of breast. Last evaluated: 2023-09-15. Review status: criteria provided, single submitter. Criteria: ACMG Guidelines, 2015. Collection method: clinical testing. Allele origin: unknown.

Women's Health and Genetics/Laboratory Corporation of America, LabCorp
Classification: Uncertain significance. Last evaluated: 2023-08-03. Review status: criteria provided, single submitter. Criteria: LabCorp Variant Classification Summary - May 2015. Collection method: clinical testing. Allele origin: germline.
Comment: Variant summary: ATM c.3256C>T (p.Arg1086Cys) results in a non-conservative amino acid change in the encoded protein sequence. Three of five in-silico tools predict a benign effect of the variant on protein function. The variant allele was found at a frequency of 2.8e-05 in 251210 control chromosomes. The available data on variant occurrences in the general population are insufficient to allow any conclusion about variant significance. c.3256C>T has been reported in the literature as a monoallelic genotype or with unspcified zygosity in individuals affected with breast cancer or with family history of breast cancer (e.g. Girard_2019, Guindalini_2022), in verified BRCA1/2-negative breast cancer and/or ovarian cancer, including triple-negative breast cancer (e.g. Gomes_2020, Zanti_2020), prostate cancer (e.g. Karlsson_2021), or as a compound heterozygous genotype with the second variant reported as VUS in pancreatic ductal adenocarcinoma (e.g. Yin_2022). Most cases occurred in settings of multi-gene panel testing, were often reported as a VUS, with all cases without evidence of causality. These report(s) do not provide unequivocal conclusions about association of the variant with Breast Cancer. To our knowledge, no experimental evidence demonstrating an impact on protein function has been reported. The following publications have been ascertained in the context of this evaluation (PMID: 33128190, 33436325, 30303537, 35171259, 35264596, 28652578, 33120919). Eight submitters have cited clinical-significance assessments for this variant to ClinVar after 2014, classifying the variant as uncertain significance (n=7), or likely benign (n=1). Based on the evidence outlined above, the variant was classified as uncertain significance.

GeneDx
Classification: Uncertain significance. Last evaluated: 2022-04-26. Review status: criteria provided, single submitter. Criteria: GeneDx Variant Classification Process June 2021. Collection method: clinical testing. Allele origin: germline. Affected: yes.
Comment: Not observed at significant frequency in large population cohorts (gnomAD); In silico analysis supports that this missense variant has a deleterious effect on protein structure/function; Observed in an individual with breast cancer (Girard 2019); This variant is associated with the following publications: (PMID: 27159395, 30303537)

ARUP Laboratories, Molecular Genetics and Genomics, ARUP Laboratories
Classification: Uncertain significance. Last evaluated: 2018-03-20. Review status: criteria provided, single submitter. Criteria: ARUP Molecular Germline Variant Investigation Process. Collection method: clinical testing. Allele origin: germline.
Comment: The ATM c.3256C>T; p.Arg1086Cys variant (rs201780199, ClinVar variant ID 234020), to our knowledge, is not reported in the medical literature, gene specific variation databases, nor has it been previously identified by our laboratory. This variant is listed in the genome Aggregation Database (gnomAD) with an overall population frequency of 0.003% (identified on 8 out of 276,914 chromosomes). The arginine at position 1086 is moderately conserved, considering 9 species, and computational analyses of the effects of the p.Arg1086Cys variant on protein structure and function do not predict a deleterious effect (SIFT: tolerated, PolyPhen-2: benign). Based on the available information, the clinical significance of the p.Arg1086Cys variant cannot be determined with certainty.

Illumina Laboratory Services, Illumina
Classification: Uncertain significance for Ataxia-telangiectasia syndrome. Last evaluated: 2018-01-13. Review status: criteria provided, single submitter. Criteria: ICSL Variant Classification Criteria 13 December 2019. Collection method: clinical testing. Allele origin: germline.

Natera, Inc.
Classification: Uncertain significance for Ataxia-telangiectasia. Last evaluated: 2020-07-17. Review status: no assertion criteria provided. Collection method: clinical testing. Allele origin: germline. Not counted in ClinVar's aggregate classification.

Literature cited by the submitters: PubMed 30303537 (cited by 3 submitters); PubMed 25085752 (cited by Myriad Genetics, Inc.); PubMed 33436325 (cited by Ambry Genetics and Women's Health and Genetics/Laboratory Corporation of America, LabCorp); PubMed 35171259 (cited by Ambry Genetics and Women's Health and Genetics/Laboratory Corporation of America, LabCorp); PubMed 35264596 (cited by Ambry Genetics and Women's Health and Genetics/Laboratory Corporation of America, LabCorp); PubMed 28652578 (cited by Women's Health and Genetics/Laboratory Corporation of America, LabCorp); PubMed 33128190 (cited by Women's Health and Genetics/Laboratory Corporation of America, LabCorp); PubMed 33120919 (cited by Women's Health and Genetics/Laboratory Corporation of America, LabCorp).